The following is an entry in ClinVar:

NM_024009.3(GJB3):c.755A>G (p.Asp252Gly)

Gene: GJB3 (gap junction protein beta 3; plus strand). Cytogenetic location: 1p34.3.
Variant type: single nucleotide variant.
Coding change: c.755A>G on transcript NM_024009.3 (MANE Select); coding-DNA position 755, A replaced by G.
Protein change: p.Asp252Gly; replaces aspartic acid 252 with glycine.
Molecular consequence: missense variant.
Genome position (GRCh38, 1-based): chr1:34,785,517, A>G. VCF-style: chr1-34785517-A-G. GRCh37 (hg19) VCF-style: chr1-35251118-A-G.
Other names: c.755A>G, p.Asp252Gly (NM_001005752.2); short protein forms D252G.
Identifiers: ClinVar variation 2574842 (VCV002574842.2), dbSNP rs1428868705, ClinGen allele CA339316132.

ClinVar aggregate classification (germline): Uncertain significance (1 of 4 stars; one submission).

Allele frequency attached by ClinVar (database versions not stated): gnomAD 0.00001; gnomAD exomes 0.00001.
gnomAD v4.1: 5 of 1,613,904 alleles (0.00031%); highest among the groups gnomAD compares: Non-Finnish European, 0.00042%; no homozygotes.

Submission:

GeneDx
Classification: Uncertain significance. Last evaluated: 2024-10-23. Review status: criteria provided, single submitter. Criteria: GeneDx Variant Classification Process June 2021. Collection method: clinical testing. Allele origin: germline. Affected: yes.
Comment: Not observed at significant frequency in large population cohorts (gnomAD); In silico analysis indicates that this missense variant does not alter protein structure/function; Has not been previously published as pathogenic or benign to our knowledge